The following is an entry in ClinVar:

ClinVar aggregate classification (germline): Uncertain significance. Review status: criteria provided, multiple submitters, no conflicts (2 of 4 stars). 4 submissions from 4 submitters: Uncertain significance (4). Last evaluated 2025-11-03.

Conditions:
Fanconi anemia (FA). Also called: Fanconi's anemia. Identifiers: Orphanet 84, MedGen C0015625, MeSH D005199, MONDO:0019391.
Inborn genetic diseases. Identifiers: MedGen C0950123, MeSH D030342.
Fanconi anemia complementation group P. Also called: SLX4-Related Fanconi Anemia. Identifiers: Orphanet 84, MedGen C3469542, MONDO:0013499, OMIM 613951.

gnomAD v4.1: 22 of 1,613,898 alleles (0.0014%); highest among the groups gnomAD compares: African/African-American, 0.0093%; no homozygotes.

Submissions (4):

Labcorp Genetics (formerly Invitae), Labcorp
Classification: Uncertain significance for Fanconi anemia. Last evaluated: 2025-11-03. Review status: criteria provided, single submitter. Criteria: Invitae Variant Classification Sherloc (09022015). Collection method: clinical testing. Allele origin: germline.
Comment: This sequence change replaces proline, which is neutral and non-polar, with serine, which is neutral and polar, at codon 469 of the SLX4 protein (p.Pro469Ser). This variant is present in population databases (rs763833617, gnomAD 0.02%). This variant has not been reported in the literature in individuals affected with SLX4-related conditions. ClinVar contains an entry for this variant (Variation ID: 1337807). An algorithm developed to predict the effect of missense changes on protein structure and function (PolyPhen-2) suggests that this variant is likely to be disruptive. In summary, the available evidence is currently insufficient to determine the role of this variant in disease. Therefore, it has been classified as a Variant of Uncertain Significance.

Ambry Genetics
Classification: Uncertain significance for Inborn genetic diseases. Last evaluated: 2025-03-31. Review status: criteria provided, single submitter. Criteria: Ambry Variant Classification Scheme 2023. Collection method: clinical testing. Allele origin: germline.

Fulgent Genetics
Classification: Uncertain significance for Fanconi anemia complementation group P. Last evaluated: 2021-07-15. Review status: criteria provided, single submitter. Criteria: ACMG Guidelines, 2015. Collection method: clinical testing. Allele origin: unknown.

Genetic Services Laboratory, University of Chicago
Classification: Uncertain significance. Last evaluated: 2021-01-04. Review status: criteria provided, single submitter. Criteria: ACMG Guidelines, 2015. Collection method: clinical testing. Allele origin: germline. Affected: no.
Comment: This sequence change does not appear to have been previously described in patients with SLX4-related disorders and has been described in the gnomAD database with a low population frequency of 0.0024% (dbSNP rs763833617). The p.Pro469Ser change affects a highly conserved amino acid residue located in a domain of the SLX4 protein that is not known to be functional. In-silico pathogenicity prediction tools (SIFT, PolyPhen2, Align GVGD, REVEL) provide contradictory results for the p.Pro469Ser substitution. Due to these contrasting evidences and the lack of functional studies, the clinical significance of the p.Pro469Ser change remains unknown at this time.

NM_032444.4(SLX4):c.1405C>T (p.Pro469Ser)

Gene: SLX4 (SLX4 structure-specific endonuclease subunit; minus strand). Cytogenetic location: 16p13.3.
Variant type: single nucleotide variant.
Coding change: c.1405C>T on transcript NM_032444.4 (MANE Select); coding-DNA position 1405, C replaced by T.
Protein change: p.Pro469Ser; replaces proline 469 with serine.
Molecular consequence: missense variant.
Genome position (GRCh38, 1-based): chr16:3,597,657, G>A on the plus strand (C>T on the coding strand, the complement: SLX4 is on the minus strand). VCF-style: chr16-3597657-G-A. GRCh37 (hg19) VCF-style: chr16-3647658-G-A.
Other names: c.1405C>T (NM_032444.2); short protein forms P469S.
Identifiers: ClinVar variation 1337807 (VCV001337807.10), dbSNP rs763833617, ClinGen allele CA7866525.